The following is an entry in ClinVar:

NM_006231.4(POLE):c.5895_5896delinsGGAC (p.Glu1966fs)

Gene: POLE (DNA polymerase epsilon, catalytic subunit; minus strand). Cytogenetic location: 12q24.33.
Variant type: Indel.
Coding change: c.5895_5896delinsGGAC on transcript NM_006231.4 (MANE Select); coding-DNA positions 5895 to 5896, AG replaced by GGAC.
Protein change: p.Glu1966fs; shifts the reading frame from glutamic acid 1966.
Molecular consequence: frameshift variant.
Genome position (GRCh38, 1-based): chr12:132,634,294-132,634,295, CT replaced by GTCC on the plus strand (AG replaced by GGAC on the coding strand, the reverse complement: POLE is on the minus strand). VCF-style: chr12-132634294-CT-GTCC. GRCh37 (hg19) VCF-style: chr12-133210880-CT-GTCC.
Other names: short protein forms E1966fs.
Identifiers: ClinVar variation 826036 (VCV000826036.5), dbSNP rs1593712239, ClinGen allele CA915946800.

ClinVar aggregate classification (germline): Uncertain significance (1 of 4 stars; one submission).

Conditions:
Hereditary cancer-predisposing syndrome. Also called: Hereditary Cancer Syndrome; Tumor predisposition; Neoplastic Syndromes, Hereditary; Hereditary neoplastic syndrome. Identifiers: Orphanet 140162, MedGen C0027672, MeSH D009386, MONDO:0015356.

Submission:

Ambry Genetics
Classification: Uncertain significance for Hereditary cancer-predisposing syndrome. Last evaluated: 2026-01-21. Review status: criteria provided, single submitter. Criteria: Ambry Variant Classification Scheme 2023. Collection method: clinical testing. Allele origin: germline.
Comment: The c.5895_5896delAGinsGGAC variant, located in coding exon 43 of the POLE gene, results from the deletion of two nucleotides and insertion of 4 nucleotides causing a translational frameshift with a predicted alternate stop codon (p.E1966Dfs*34). This alteration is expected to result in loss of function by premature protein truncation or nonsense-mediated mRNA decay. Although biallelic loss of function of POLE has been associated with autosomal recessive POLE deficiency, haploinsufficiency of POLE has not been established as a mechanism of disease for POLE-related polymerase proofreading-associated polyposis (PPAP) and POLE-related CMMRD-like syndrome. Based on the supporting evidence, this variant is expected to be causative of POLE deficiency when present along with a second pathogenic variant on the other allele; however, its clinical significance for PPAP and POLE-related CMMRD-like syndrome is unclear.